The following is an entry in ClinVar:

NM_025114.4(CEP290):c.2983C>T (p.His995Tyr)

Gene: CEP290 (centrosomal protein 290; minus strand). Cytogenetic location: 12q21.32.
Variant type: single nucleotide variant.
Coding change: c.2983C>T on transcript NM_025114.4 (MANE Select); coding-DNA position 2983, C replaced by T.
Protein change: p.His995Tyr; replaces histidine 995 with tyrosine.
Molecular consequence: missense variant.
Genome position (GRCh38, 1-based): chr12:88,102,846, G>A on the plus strand (C>T on the coding strand, the complement: CEP290 is on the minus strand). VCF-style: chr12-88102846-G-A. GRCh37 (hg19) VCF-style: chr12-88496623-G-A.
Other names: short protein forms H995Y.
Identifiers: ClinVar variation 1348419 (VCV001348419.6), dbSNP rs2137539514, ClinGen allele CA385968953.
Genomic context (GRCh38, chr12:88,102,846, plus strand): 5'-TATTGAAGAAAAATGGCTAATTTCACAAGGTTCAAGAATCACACAAACTTACCTCCAGGT[G>A]TTCCAAGTTACTTGTTCTTTGAACAAGCATATTATCTTTTTGCAAGATGTCCCTGTACTT-3'
Protein context (NP_079390.3, residues 985-1005): MLVQRTSNLE[His995Tyr]LECENISLKE

ClinVar aggregate classification (germline): Uncertain significance. Review status: criteria provided, multiple submitters, no conflicts (2 of 4 stars). 2 submissions from 2 submitters: Uncertain significance (2). Last evaluated 2024-06-17.

Conditions:
Senior-Loken syndrome 6 (SLSN6). Identifiers: Orphanet 3156, MedGen C1857779, MONDO:0012433, OMIM 610189.
Joubert syndrome 5 (JBTS5). Identifiers: Orphanet 2318, MedGen C1857780, MONDO:0012432, OMIM 610188.
Bardet-Biedl syndrome 14 (BBS14). Identifiers: Orphanet 110, MedGen C2673874, MONDO:0014442, OMIM 615991.
Leber congenital amaurosis 10 (LCA10). Identifiers: Orphanet 65, MedGen C1857821, MONDO:0012723, OMIM 611755.
Meckel syndrome, type 4 (MKS4). Also called: MECKEL-GRUBER SYNDROME, TYPE 4. Identifiers: Orphanet 564, MedGen C1970161, MONDO:0012626, OMIM 611134.
Joubert syndrome. Also called: CEREBELLOPARENCHYMAL DISORDER IV; JOUBERT-BOLTSHAUSER SYNDROME; Familial aplasia of the vermis. Identifiers: Orphanet 475, MedGen C5979921, MONDO:0018772.
Nephronophthisis. Also called: Juvenile Nephronophthisis. Identifiers: Orphanet 655, MedGen C0687120, MONDO:0019005, HP:0000090.
Meckel-Gruber syndrome. Also called: DYSENCEPHALIA SPLANCHNOCYSTICA; GRUBER SYNDROME; Dysencephalia splachnocystica. Identifiers: Orphanet 564, MedGen C0265215, MONDO:0018921.

Allele frequency attached by ClinVar (database versions not stated): gnomAD exomes 0.00001.
gnomAD v4.1: 9 of 1,609,214 alleles (0.00056%); highest among the groups gnomAD compares: Non-Finnish European, 0.00076%; no homozygotes.

Submissions (2):

Fulgent Genetics
Classification: Uncertain significance for Joubert syndrome 5; Senior-Loken syndrome 6; Meckel syndrome, type 4; Leber congenital amaurosis 10; Bardet-Biedl syndrome 14. Last evaluated: 2024-06-17. Review status: criteria provided, single submitter. Criteria: ACMG Guidelines, 2015. Collection method: clinical testing. Allele origin: germline.

Labcorp Genetics (formerly Invitae), Labcorp
Classification: Uncertain significance for Joubert syndrome; Meckel-Gruber syndrome; Nephronophthisis. Last evaluated: 2021-08-30. Review status: criteria provided, single submitter. Criteria: Invitae Variant Classification Sherloc (09022015). Collection method: clinical testing. Allele origin: germline.
Comment: This sequence change replaces histidine with tyrosine at codon 995 of the CEP290 protein (p.His995Tyr). The histidine residue is highly conserved and there is a moderate physicochemical difference between histidine and tyrosine. This variant is not present in population databases (ExAC no frequency). This variant has not been reported in the literature in individuals affected with CEP290-related conditions. Algorithms developed to predict the effect of missense changes on protein structure and function (SIFT, PolyPhen-2, Align-GVGD) all suggest that this variant is likely to be tolerated. In summary, the available evidence is currently insufficient to determine the role of this variant in disease. Therefore, it has been classified as a Variant of Uncertain Significance.